The following is an entry in ClinVar:

NM_030665.4(RAI1):c.2083G>A (p.Ala695Thr)

Gene: RAI1 (retinoic acid induced 1; plus strand). Cytogenetic location: 17p11.2.
Variant type: single nucleotide variant.
Coding change: c.2083G>A on transcript NM_030665.4 (MANE Select); coding-DNA position 2083, G replaced by A.
Protein change: p.Ala695Thr; replaces alanine 695 with threonine.
Molecular consequence: missense variant.
Genome position (GRCh38, 1-based): chr17:17,795,031, G>A. VCF-style: chr17-17795031-G-A. GRCh37 (hg19) VCF-style: chr17-17698345-G-A.
Other names: short protein forms A695T.
Identifiers: ClinVar variation 2051290 (VCV002051290.4), dbSNP rs201917434, ClinGen allele CA8418457.
Genomic context (GRCh38, chr17:17,795,031, plus strand): 5'-AAGGGCGGCAATGCCAAGGACTTCAGCCCAGGGCTGTTTGAAGACCCTTCCGTGGCCTTC[G>A]CTACGCCTGACCCCAAAAAGACAACTGGTCCTCTCTCCTTTGGTACCAAGCCCACCCTTG-3'
Protein context (NP_109590.3, residues 685-705): GLFEDPSVAF[Ala695Thr]TPDPKKTTGP

ClinVar aggregate classification (germline): Uncertain significance (1 of 4 stars; one submission).

Allele frequency attached by ClinVar (database versions not stated): ExAC 0.00001; gnomAD exomes 0.00001; 1000 Genomes Project 0.00020; 1000 Genomes Project 30x 0.00031.
gnomAD v4.1: 12 of 1,614,110 alleles (0.00074%); highest among the groups gnomAD compares: East Asian, 0.0022%; no homozygotes.

Submission:

Labcorp Genetics (formerly Invitae), Labcorp
Classification: Uncertain significance. Last evaluated: 2022-08-31. Review status: criteria provided, single submitter. Criteria: Invitae Variant Classification Sherloc (09022015). Collection method: clinical testing. Allele origin: germline.
Comment: In summary, the available evidence is currently insufficient to determine the role of this variant in disease. Therefore, it has been classified as a Variant of Uncertain Significance. Algorithms developed to predict the effect of missense changes on protein structure and function output the following: SIFT: "Tolerated"; PolyPhen-2: "Benign"; Align-GVGD: "Class C0". The threonine amino acid residue is found in multiple mammalian species, which suggests that this missense change does not adversely affect protein function. This variant has not been reported in the literature in individuals affected with RAI1-related conditions. This variant is present in population databases (rs201917434, gnomAD 0.002%). This sequence change replaces alanine, which is neutral and non-polar, with threonine, which is neutral and polar, at codon 695 of the RAI1 protein (p.Ala695Thr).